The following continues an entry in ClinVar:

NM_000465.4(BARD1):c.1339C>G (p.Leu447Val)

Gene: BARD1. ClinVar aggregate classification (germline): Conflicting classifications of pathogenicity. Uncertain significance (17); Likely benign (1).

Submissions 9 to 19 of 19:

Molecular Diagnostics Laboratory, Catalan Institute of Oncology
Classification: Uncertain significance for Hereditary cancer-predisposing syndrome. Last evaluated: 2024-12-19. Review status: criteria provided, single submitter. Criteria: ACMG Guidelines, 2015. Collection method: clinical testing. Allele origin: germline.
Comment: PP3_Moderate c.1339C>G, located in exon 5 of the BARD1 gene, is predicted to result in the substitution of leucine by valine at codon 447, p.(Leu447Val). This variant is found in 15/268148 alleles at a frequency of 0.0056% in the gnomAD v2.1.1 database, non-cancer dataset. The SpliceAI algorithm predicts no significant impact on splicing and the REVEL meta-predictor score for this variant (0,816) suggests a deleterious effect on protein function according to Pejaver 2022 thresholds (PMID: 36413997) (PP3_Moderate). To our knowledge, neither relevant clinical data nor well-stablished functional studies have been reported for this variant. It has been reported in the ClinVar database (1x likely benign, 12x uncertain significance) and in the LOVD database (4x uncertain significance). Based on the currently available information, c.1339C>G is classified as an uncertain significance variant according to ACMG guidelines.

GeneDx
Classification: Uncertain significance. Last evaluated: 2024-12-04. Review status: criteria provided, single submitter. Criteria: GeneDx Variant Classification Process June 2021. Collection method: clinical testing. Allele origin: germline. Affected: yes.
Comment: Observed in individuals with a personal history of breast cancer, at least one of whom also harbored a pathogenic BRCA2 variant, as well as in individuals with a history of sarcoma or prostate cancer, and in unaffected controls (PMID: 27498913, 31036035, 32726901, 32923906, 33471991); In silico analysis supports that this missense variant has a deleterious effect on protein structure/function; This variant is associated with the following publications: (PMID: 26787654, 27878467, 26315354, 27498913, 31036035, 32726901, 32923906, 18480049, 33471991, 37418175, 35595798)

Molecular Pathology, Peter Maccallum Cancer Centre
Classification: Uncertain significance for BARD1-related cancer predisposition. Last evaluated: 2024-10-31. Review status: criteria provided, single submitter. Criteria: ACMG Guidelines, 2015. Collection method: clinical testing. Allele origin: germline. Inheritance: Autosomal dominant inheritance.

Fulgent Genetics
Classification: Uncertain significance for Familial cancer of breast. Last evaluated: 2024-06-20. Review status: criteria provided, single submitter. Criteria: ACMG Guidelines, 2015. Collection method: clinical testing. Allele origin: germline.

Baylor Genetics
Classification: Uncertain significance for Familial cancer of breast. Last evaluated: 2024-03-27. Review status: criteria provided, single submitter. Criteria: ACMG Guidelines, 2015. Collection method: clinical testing. Allele origin: unknown.

Department of Pathology and Laboratory Medicine, Sinai Health System
Classification: Uncertain significance for BARD1-related cancer predisposition. Last evaluated: 2023-06-27. Review status: criteria provided, single submitter. Criteria: ACMG Guidelines, 2015. Collection method: clinical testing. Allele origin: germline. Affected: no.

Myriad Genetics, Inc.
Classification: Likely benign for Familial cancer of breast. Last evaluated: 2023-02-24. Review status: criteria provided, single submitter. Criteria: Myriad Autosomal Dominant, Autosomal Recessive and X-Linked Classification Criteria (2023). Collection method: clinical testing. Allele origin: unknown.
Comment: This variant is considered likely benign. This variant is strongly associated with less severe personal and family histories of cancer, typical for individuals without pathogenic variants in this gene [PMID: 25085752].

Mayo Clinic Laboratories, Mayo Clinic
Classification: Uncertain significance. Last evaluated: 2022-03-09. Review status: criteria provided, single submitter. Criteria: ACMG Guidelines, 2015. Collection method: clinical testing. Allele origin: germline. Observed: 1 variant allele.
Comment: PP3

Sema4
Classification: Uncertain significance for Hereditary cancer-predisposing syndrome. Last evaluated: 2022-02-09. Review status: criteria provided, single submitter. Criteria: Sema4 Curation Guidelines. Collection method: curation. Allele origin: germline.
Comment: The BARD1 c.1339C>G (p.L447V) variant has been reported in individuals with breast cancer (PMID: 31036035, 27878467). The variant was detected in a cohort of 1297 early-onset breast cancer cases and 1121 controls (PMID 26787654) and in healthy controls (PMID: 26315354). The variant has also been reported in 18/60466 women with breast cancer and 9/53,461 controls in a large case control study evaluating breast cancer risk (PMID 33471991). This variant was observed in 17/113638 chromosomes in the Non-Finnish European population, according to the Genome Aggregation Database (PMID: 32461654). The variant has been reported in ClinVar (Variation ID: 182046). In silico tools suggest the impact of the variant on protein function is deleterious, though these predictions have not been confirmed by functional studies. The evidence is insufficient to meet ACMG/AMP criteria for classifying the variant as benign or pathogenic. Thus, the clinical significance of this variant is currently uncertain.

Mendelics
Classification: Uncertain significance for Familial cancer of breast. Last evaluated: 2018-07-02. Review status: criteria provided, single submitter. Criteria: Mendelics Assertion Criteria 2017. Collection method: clinical testing. Allele origin: unknown.

Counsyl
Classification: Uncertain significance for Familial cancer of breast. Last evaluated: 2016-10-31. Review status: no assertion criteria provided. Collection method: clinical testing. Allele origin: unknown. Not counted in ClinVar's aggregate classification.

Literature cited by the submitters: PubMed 39148954 (cited by Quest Diagnostics Nichols Institute San Juan Capistrano and Women's Health and Genetics/Laboratory Corporation of America, LabCorp); PubMed 39233942 (cited by Quest Diagnostics Nichols Institute San Juan Capistrano and Women's Health and Genetics/Laboratory Corporation of America, LabCorp); PubMed 26315354 (cited by 6 submitters); PubMed 27878467 (cited by 5 submitters); PubMed 26787654 (cited by 5 submitters); PubMed 33471991 (cited by 3 submitters); PubMed 32923906 (cited by Quest Diagnostics Nichols Institute San Juan Capistrano and Center for Genomic Medicine, Rigshospitalet, Copenhagen University Hospital); PubMed 35595798 (cited by 3 submitters); PubMed 31036035 (cited by 6 submitters); PubMed 31371347 (cited by Women's Health and Genetics/Laboratory Corporation of America, LabCorp); PubMed 25085752 (cited by Myriad Genetics, Inc.).